The following is an entry in ClinVar:

ClinVar aggregate classification (germline): Likely benign (0 of 4 stars; one submission).

Conditions:
PLEKHA7-related disorder. Also called: PLEKHA7-related condition.

Allele frequency attached by ClinVar (database versions not stated): gnomAD exomes 0.00007; ESP Exome Variant Server 0.00008; gnomAD 0.00015; TOPMed 0.00019; ExAC 0.00020.

Submission:

PreventionGenetics, part of Exact Sciences
Classification: Likely benign for PLEKHA7-related condition. Last evaluated: 2023-10-29. Review status: no assertion criteria provided. Collection method: clinical testing. Allele origin: germline.
Comment: This variant is classified as likely benign based on ACMG/AMP sequence variant interpretation guidelines (Richards et al. 2015 PMID: 25741868, with internal and published modifications).

NM_001329630.2(PLEKHA7):c.2621G>A (p.Arg874Gln)

Gene: PLEKHA7 (pleckstrin homology domain containing A7; minus strand). Cytogenetic location: 11p15.2.
Variant type: single nucleotide variant.
Coding change: c.2621G>A on transcript NM_001329630.2 (MANE Select); coding-DNA position 2621, G replaced by A.
Protein change: p.Arg874Gln; replaces arginine 874 with glutamine.
Molecular consequence: missense variant.
Genome position (GRCh38, 1-based): chr11:16,794,612, C>T on the plus strand (G>A on the coding strand, the complement: PLEKHA7 is on the minus strand). VCF-style: chr11-16794612-C-T. GRCh37 (hg19) VCF-style: chr11-16816159-C-T.
Other names: c.2621G>A, p.Arg874Gln (NM_001329631.2, NM_001410960.1, NM_175058.5); short protein forms R874Q.
Identifiers: ClinVar variation 3056367 (VCV003056367.2), dbSNP rs200595484, ClinGen allele CA5899039.
Genomic context (GRCh38, chr11:16,794,612, plus strand): 5'-TGAGGTCGGTACGGCACGTAGGTTTGCAGCTGGGGGAAGAGTCGAACCTCCAGAGGGGTC[C>T]GCACAGGGCTGGTGGGAGGACTGGGCTGTGGGGGCGGCTTGCTCTCAGAAGTTGAGAGTG-3'
Protein context (NP_001316559.1, residues 864-884): PQPSPPTSPV[Arg874Gln]TPLEVRLFPQ